The following is an entry in ClinVar:

ClinVar aggregate classification (germline): Uncertain significance (1 of 4 stars; one submission).

Conditions:
SLC52A3-related disorder. Also called: SLC52A3-related condition.

gnomAD v4.1: 1 of 1,604,018 alleles (0.000062%); highest among the groups gnomAD compares: Non-Finnish European, 0.000085%; no homozygotes.

Submission:

PreventionGenetics, part of Exact Sciences
Classification: Uncertain significance for SLC52A3-related condition. Last evaluated: 2025-02-13. Review status: criteria provided, single submitter. Criteria: ACMG Guidelines, 2015. Collection method: clinical testing. Allele origin: germline.
Comment: The SLC52A3 c.1327G>C variant is predicted to result in the amino acid substitution p.Gly443Arg. To our knowledge, this variant has not been reported in the literature or in a large population database (gnomAD), indicating this variant is rare. At this time, the clinical significance of this variant is uncertain due to the absence of conclusive functional and genetic evidence.

NM_033409.4(SLC52A3):c.1327G>C (p.Gly443Arg)

Gene: SLC52A3 (solute carrier family 52 member 3; minus strand). Cytogenetic location: 20p13.
Variant type: single nucleotide variant.
Coding change: c.1327G>C on transcript NM_033409.4 (MANE Select); coding-DNA position 1327, G replaced by C.
Protein change: p.Gly443Arg; replaces glycine 443 with arginine.
Molecular consequence: missense variant.
Genome position (GRCh38, 1-based): chr20:761,109, C>G on the plus strand (G>C on the coding strand, the complement: SLC52A3 is on the minus strand). VCF-style: chr20-761109-C-G. GRCh37 (hg19) VCF-style: chr20-741753-C-G.
Other names: c.1327G>C, p.Gly443Arg (NM_001370085.1, NM_001370086.1); short protein forms G443R.
Identifiers: ClinVar variation 4998882 (VCV004998882.1).